The following is an entry in ClinVar:

NM_014714.4(IFT140):c.3061G>A (p.Glu1021Lys)

Genes: IFT140 (intraflagellar transport 140; minus strand), LOC126862260 (CDK7 strongly-dependent group 2 enhancer GRCh37_chr16:1574508-1575707; plus strand). Cytogenetic location: 16p13.3.
Variant type: single nucleotide variant.
Coding change: c.3061G>A on transcript NM_014714.4 (MANE Select); coding-DNA position 3061, G replaced by A.
Protein change: p.Glu1021Lys; replaces glutamic acid 1021 with lysine.
Molecular consequence: missense variant.
Genome position (GRCh38, 1-based): chr16:1,524,632, C>T on the plus strand (G>A on the coding strand, the complement: IFT140 is on the minus strand). VCF-style: chr16-1524632-C-T. GRCh37 (hg19) VCF-style: chr16-1574633-C-T.
Other names: short protein forms E1021K.
Identifiers: ClinVar variation 642221 (VCV000642221.7), dbSNP rs576458824, ClinGen allele CA7813336.

ClinVar aggregate classification (germline): Uncertain significance. Review status: criteria provided, multiple submitters, no conflicts (2 of 4 stars). 2 submissions from 2 submitters: Uncertain significance (2). Last evaluated 2023-10-30.

Conditions:
Saldino-Mainzer syndrome (SRTD9). Also called: SHORT-RIB THORACIC DYSPLASIA 9 WITHOUT POLYDACTYLY; CONORENAL SYNDROME; short-rib thoracic dysplasia 9 with or without polydactyly; Renal dysplasia, retinal pigmentary dystrophy, cerebellar ataxia and skeletal dysplasia. Identifiers: Orphanet 140969, MedGen C1849437, MONDO:0009964, OMIM 266920.

Allele frequency attached by ClinVar (database versions not stated): gnomAD 0.00002; TOPMed 0.00002; 1000 Genomes Project 30x 0.00016; 1000 Genomes Project 0.00020.
gnomAD v4.1: 24 of 1,600,242 alleles (0.0015%); highest among the groups gnomAD compares: South Asian, 0.0033%; no homozygotes.

Submissions (2):

Blueprint Genetics
Classification: Uncertain significance. Last evaluated: 2023-10-30. Review status: criteria provided, single submitter. Criteria: ACMG Guidelines, 2015. Collection method: clinical testing. Allele origin: germline.

Labcorp Genetics (formerly Invitae), Labcorp
Classification: Uncertain significance for Saldino-Mainzer syndrome. Last evaluated: 2022-09-27. Review status: criteria provided, single submitter. Criteria: Invitae Variant Classification Sherloc (09022015). Collection method: clinical testing. Allele origin: germline.
Comment: This sequence change replaces glutamic acid, which is acidic and polar, with lysine, which is basic and polar, at codon 1021 of the IFT140 protein (p.Glu1021Lys). This variant is present in population databases (rs576458824, gnomAD 0.003%). This variant has not been reported in the literature in individuals affected with IFT140-related conditions. ClinVar contains an entry for this variant (Variation ID: 642221). Advanced modeling of protein sequence and biophysical properties (such as structural, functional, and spatial information, amino acid conservation, physicochemical variation, residue mobility, and thermodynamic stability) has been performed at Invitae for this missense variant, however the output from this modeling did not meet the statistical confidence thresholds required to predict the impact of this variant on IFT140 protein function. In summary, the available evidence is currently insufficient to determine the role of this variant in disease. Therefore, it has been classified as a Variant of Uncertain Significance.